The following is an entry in ClinVar:

NM_152424.4(AMER1):c.2785G>C (p.Asp929His)

Gene: AMER1 (APC membrane recruitment protein 1; minus strand). Cytogenetic location: Xq11.2.
Variant type: single nucleotide variant.
Coding change: c.2785G>C on transcript NM_152424.4 (MANE Select); coding-DNA position 2785, G replaced by C.
Protein change: p.Asp929His; replaces aspartic acid 929 with histidine.
Molecular consequence: missense variant.
Genome position (GRCh38, 1-based): chrX:64,190,502, C>G on the plus strand (G>C on the coding strand, the complement: AMER1 is on the minus strand). VCF-style: chrX-64190502-C-G. GRCh37 (hg19) VCF-style: chrX-63410382-C-G.
Other names: short protein forms D929H.
Identifiers: ClinVar variation 2772544 (VCV002772544.3), dbSNP rs2147085315, ClinGen allele CA413302190.
Genomic context (GRCh38, chrX:64,190,502, plus strand): 5'-AGAGGGAAAGGGGACTGTCTCGGCTCCATTCTCCTTCTTCCTCCTCTTCGTCCTCCTCAT[C>G]TGAATCTTCCTGCTGGGCCTGCAGCTCATCAGACTCGAGGTAGCCCTGGACCAAGTGGGA-3'
Protein context (NP_689637.3, residues 919-939): DELQAQQEDS[Asp929His]EEDEEEEEGE

ClinVar aggregate classification (germline): Uncertain significance (1 of 4 stars; one submission).

Submission:

Labcorp Genetics (formerly Invitae), Labcorp
Classification: Uncertain significance. Last evaluated: 2023-11-21. Review status: criteria provided, single submitter. Criteria: Invitae Variant Classification Sherloc (09022015). Collection method: clinical testing. Allele origin: germline.
Comment: This sequence change replaces aspartic acid, which is acidic and polar, with histidine, which is basic and polar, at codon 929 of the AMER1 protein (p.Asp929His). This variant is not present in population databases (gnomAD no frequency). This variant has not been reported in the literature in individuals affected with AMER1-related conditions. An algorithm developed to predict the effect of missense changes on protein structure and function (PolyPhen-2) suggests that this variant is likely to be disruptive. In summary, the available evidence is currently insufficient to determine the role of this variant in disease. Therefore, it has been classified as a Variant of Uncertain Significance.